The following is an entry in ClinVar:

ClinVar aggregate classification (germline): Benign. Review status: criteria provided, multiple submitters, no conflicts (2 of 4 stars). 5 submissions from 5 submitters: Benign (5). Last evaluated 2026-02-01.

Conditions:
FLNB-Related Spectrum Disorders.
Connective tissue disorder. Also called: Connective tissue disease. Identifiers: MedGen C0009782, MONDO:0003900.

Allele frequency attached by ClinVar (database versions not stated): 1000 Genomes Project 0.02436; 1000 Genomes Project 30x 0.02623; gnomAD 0.02853 and 0.03073; ESP Exome Variant Server 0.03298; TOPMed 0.03307; gnomAD exomes 0.00285 and 0.00725; ExAC 0.00847.
gnomAD v4.1: 8,685 of 1,614,242 alleles (0.54%); highest among the groups gnomAD compares: African/African-American, 10%; 390 homozygotes.

Submissions (5):

Labcorp Genetics (formerly Invitae), Labcorp
Classification: Benign. Last evaluated: 2026-02-01. Review status: criteria provided, single submitter. Criteria: Invitae Variant Classification Sherloc (09022015). Collection method: clinical testing. Allele origin: germline.

Genome Diagnostics Laboratory, The Hospital for Sick Children
Classification: Benign for Connective tissue disorder. Last evaluated: 2020-03-01. Review status: criteria provided, single submitter. Criteria: ACMG Guidelines, 2015. Collection method: clinical testing. Allele origin: germline.

Illumina Laboratory Services, Illumina
Classification: Benign for FLNB-Related Spectrum Disorders. Last evaluated: 2018-01-13. Review status: criteria provided, single submitter. Criteria: ICSL Variant Classification Criteria 13 December 2019. Collection method: clinical testing. Allele origin: germline.
Comment: This variant was observed in the ICSL laboratory as part of a predisposition screen in an ostensibly healthy population. It had not been previously curated by ICSL or reported in the Human Gene Mutation Database (HGMD: prior to June 1st, 2018), and was therefore a candidate for classification through an automated scoring system. Utilizing variant allele frequency, disease prevalence and penetrance estimates, and inheritance mode, an automated score was calculated to assess if this variant is too frequent to cause the disease. Based on the score and internal cut-off values, a variant classified as benign is not then subjected to further curation. The score for this variant resulted in a classification of benign for this disease.

GeneDx
Classification: Benign. Last evaluated: 2016-06-06. Review status: criteria provided, single submitter. Criteria: GeneDx Variant Classification (06012015). Collection method: clinical testing. Allele origin: germline. Affected: yes.
Comment: This variant is considered likely benign or benign based on one or more of the following criteria: it is a conservative change, it occurs at a poorly conserved position in the protein, it is predicted to be benign by multiple in silico algorithms, and/or has population frequency not consistent with disease.

Breakthrough Genomics
Classification: Benign. Review status: criteria provided, single submitter. Criteria: ACMG Guidelines, 2015. Collection method: not provided. Allele origin: germline. Inheritance: Autosomal recessive inheritance. Affected: yes.

NM_001457.4(FLNB):c.6438G>A (p.Val2146=)

Gene: FLNB (filamin B; plus strand). Cytogenetic location: 3p14.3.
Variant type: single nucleotide variant.
Coding change: c.6438G>A on transcript NM_001457.4 (MANE Select); coding-DNA position 6438, G replaced by A.
Protein change: p.Val2146=; no amino-acid change (valine 2146 retained).
Molecular consequence: synonymous variant.
Genome position (GRCh38, 1-based): chr3:58,153,445, G>A. VCF-style: chr3-58153445-G-A. GRCh37 (hg19) VCF-style: chr3-58139172-G-A.
Other names: c.6531G>A, p.Val2177= (NM_001164317.2); c.6405G>A, p.Val2135= (NM_001164318.2); c.6366G>A, p.Val2122= (NM_001164319.2).
Identifiers: ClinVar variation 346356 (VCV000346356.18), dbSNP rs60599272, ClinGen allele CA2469401.